The following is an entry in ClinVar:

ClinVar aggregate classification (germline): Conflicting classifications of pathogenicity. Review status: criteria provided, conflicting classifications (1 of 4 stars). 6 submissions from 5 submitters: Uncertain significance (4); Benign (1); Likely benign (1). Last evaluated 2026-01-04.

Conditions:
Aortic valve disease 1 (AOVD1). Identifiers: MedGen C3887892, MONDO:0024523, OMIM 109730.
Adams-Oliver syndrome 5 (AOS5). Identifiers: Orphanet 974, MedGen C4014970, MONDO:0014459, OMIM 616028.
Familial thoracic aortic aneurysm and aortic dissection (TAAD). Also called: Thoracic aortic aneurysms and dissections. Identifiers: Orphanet 91387, MedGen C4707243, MONDO:0019625.

Allele frequency attached by ClinVar (database versions not stated): TOPMed 0.00002.
gnomAD v4.1: 71 of 1,610,354 alleles (0.0044%); highest among the groups gnomAD compares: Admixed American, 0.02%; no homozygotes.

Submissions (6):

Labcorp Genetics (formerly Invitae), Labcorp
Classification: Benign for Adams-Oliver syndrome 5. Last evaluated: 2026-01-04. Review status: criteria provided, single submitter. Criteria: Invitae Variant Classification Sherloc (09022015). Collection method: clinical testing. Allele origin: germline.

Blueprint Genetics
Classification: Likely benign. Last evaluated: 2024-09-07. Review status: criteria provided, single submitter. Criteria: ACMG Guidelines, 2015. Collection method: clinical testing. Allele origin: germline.

Ambry Genetics
Classification: Uncertain significance for Familial thoracic aortic aneurysm and aortic dissection. Last evaluated: 2023-03-31. Review status: criteria provided, single submitter. Criteria: Ambry Variant Classification Scheme 2023. Collection method: clinical testing. Allele origin: germline.
Comment: The p.V1324L variant (also known as c.3970G>T), located in coding exon 24 of the NOTCH1 gene, results from a G to T substitution at nucleotide position 3970. The valine at codon 1324 is replaced by leucine, an amino acid with highly similar properties. This amino acid position is highly conserved in available vertebrate species. In addition, the in silico prediction for this alteration is inconclusive. Since supporting evidence is limited at this time, the clinical significance of this alteration remains unclear.

Genome-Nilou Lab
Classification: Uncertain significance for Adams-Oliver syndrome 5. Last evaluated: 2022-03-15. Review status: criteria provided, single submitter. Criteria: ACMG Guidelines, 2015. Collection method: clinical testing. Allele origin: germline. Affected: no.

Genome-Nilou Lab
Classification: Uncertain significance for Aortic valve disease 1. Last evaluated: 2022-03-15. Review status: criteria provided, single submitter. Criteria: ACMG Guidelines, 2015. Collection method: clinical testing. Allele origin: germline. Affected: no.

Fulgent Genetics
Classification: Uncertain significance for Aortic valve disease 1; Adams-Oliver syndrome 5. Last evaluated: 2021-11-11. Review status: criteria provided, single submitter. Criteria: ACMG Guidelines, 2015. Collection method: clinical testing. Allele origin: unknown.

NM_017617.5(NOTCH1):c.3970G>T (p.Val1324Leu)

Gene: NOTCH1 (notch receptor 1; minus strand). Cytogenetic location: 9q34.3.
Variant type: single nucleotide variant.
Coding change: c.3970G>T on transcript NM_017617.5 (MANE Select); coding-DNA position 3970, G replaced by T.
Protein change: p.Val1324Leu; replaces valine 1324 with leucine.
Molecular consequence: missense variant.
Genome position (GRCh38, 1-based): chr9:136,506,571, C>A on the plus strand (G>T on the coding strand, the complement: NOTCH1 is on the minus strand). VCF-style: chr9-136506571-C-A. GRCh37 (hg19) VCF-style: chr9-139401023-C-A.
Other names: c.3970G>T, p.Val1324Leu (LRG_1122t1); short protein forms V1324L.
Identifiers: ClinVar variation 636452 (VCV000636452.12), dbSNP rs149057410, ClinGen allele CA5340745.
Genomic context (GRCh38, chr9:136,506,571, plus strand): 5'-GCACCCCTGCACCTACCGCAGGGCACTTGCAGATGAACCCGCGGGCGGTGTTGGAGGCCA[C>A]GGCGCAGGTGCCCCCATTCTTGCAGGGCTTGCCTTTGCAGCCATTGATGACGGACTCGCA-3'
Protein context (NP_060087.3, residues 1314-1334): KPCKNGGTCA[Val1324Leu]ASNTARGFIC